The following is an entry in ClinVar:

ClinVar aggregate classification (germline): Uncertain significance. Review status: criteria provided, multiple submitters, no conflicts (2 of 4 stars). 2 submissions from 2 submitters: Uncertain significance (2). Last evaluated 2024-03-30.

Conditions:
Hereditary hemochromatosis (HFE). Identifiers: MedGen C0392514, MONDO:0006507. Disease mechanism: loss of function.
Hemochromatosis type 3 (HFE3). Also called: TFR2-Related Hemochromatosis; HEMOCHROMATOSIS DUE TO DEFECT IN TRANSFERRIN RECEPTOR 2; Hereditary hemochromatosis type 3. Identifiers: Orphanet 225123, MedGen C1858664, MONDO:0011417, OMIM 604250.

Allele frequency attached by ClinVar (database versions not stated): gnomAD exomes 0.00001; ExAC 0.00002; TOPMed 0.00003; gnomAD 0.00004; ESP Exome Variant Server 0.00008.
gnomAD v4.1: 14 of 1,614,044 alleles (0.00087%); highest among the groups gnomAD compares: African/African-American, 0.0027%; no homozygotes.

Submissions (2):

Labcorp Genetics (formerly Invitae), Labcorp
Classification: Uncertain significance for Hereditary hemochromatosis. Last evaluated: 2024-03-30. Review status: criteria provided, single submitter. Criteria: Invitae Variant Classification Sherloc (09022015). Collection method: clinical testing. Allele origin: germline.
Comment: This sequence change replaces leucine, which is neutral and non-polar, with proline, which is neutral and non-polar, at codon 779 of the TFR2 protein (p.Leu779Pro). This variant is present in population databases (rs372198326, gnomAD 0.003%). This missense change has been observed in individual(s) with hereditary hemochromatosis (Invitae). ClinVar contains an entry for this variant (Variation ID: 910741). Advanced modeling of protein sequence and biophysical properties (such as structural, functional, and spatial information, amino acid conservation, physicochemical variation, residue mobility, and thermodynamic stability) performed at Invitae indicates that this missense variant is expected to disrupt TFR2 protein function with a positive predictive value of 80%. In summary, the available evidence is currently insufficient to determine the role of this variant in disease. Therefore, it has been classified as a Variant of Uncertain Significance.

Illumina Laboratory Services, Illumina
Classification: Uncertain significance for Hemochromatosis type 3. Last evaluated: 2018-01-13. Review status: criteria provided, single submitter. Criteria: ICSL Variant Classification Criteria 13 December 2019. Collection method: clinical testing. Allele origin: germline.

NM_003227.4(TFR2):c.2336T>C (p.Leu779Pro)

Gene: TFR2 (transferrin receptor 2; minus strand). Cytogenetic location: 7q22.1.
Variant type: single nucleotide variant.
Coding change: c.2336T>C on transcript NM_003227.4 (MANE Select); coding-DNA position 2336, T replaced by C.
Protein change: p.Leu779Pro; replaces leucine 779 with proline.
Molecular consequence: missense variant.
Genome position (GRCh38, 1-based): chr7:100,620,927, A>G on the plus strand (T>C on the coding strand, the complement: TFR2 is on the minus strand). VCF-style: chr7-100620927-A-G. GRCh37 (hg19) VCF-style: chr7-100218550-A-G.
Other names: c.1823T>C, p.Leu608Pro (NM_001206855.3); short protein forms L608P, L779P.
Identifiers: ClinVar variation 910741 (VCV000910741.5), dbSNP rs372198326, ClinGen allele CA4386152.